The following is an entry in ClinVar:

ClinVar aggregate classification (germline): Pathogenic. Review status: criteria provided, multiple submitters, no conflicts (2 of 4 stars). 2 submissions from 2 submitters: Pathogenic (2). Last evaluated 2024-11-26.

Conditions:
Familial cancer of breast. Also called: Hereditary breast cancer; BREAST CANCER, FAMILIAL; hereditary breast carcinoma. Identifiers: Orphanet 227535, MedGen C0346153, MONDO:0016419, OMIM 114480. Disease mechanism: loss of function.
Ataxia-telangiectasia syndrome (AT). Also called: Ataxia telangiectasia (A-T); Ataxia-telangiectasia, complementation group D; Ataxia-telangiectasia, complementation group E; LOUIS-BAR SYNDROME; Cerebello-oculocutaneous telangiectasia; Immunodeficiency with ataxia telangiectasia. Identifiers: Orphanet 100, MedGen C0004135, MONDO:0008840, OMIM 208900.

Submissions (2):

Labcorp Genetics (formerly Invitae), Labcorp
Classification: Pathogenic for Ataxia-telangiectasia syndrome. Last evaluated: 2024-11-26. Review status: criteria provided, single submitter. Criteria: Invitae Variant Classification Sherloc (09022015). Collection method: clinical testing. Allele origin: germline.
Comment: This sequence change creates a premature translational stop signal (p.Lys402*) in the ATM gene. It is expected to result in an absent or disrupted protein product. Loss-of-function variants in ATM are known to be pathogenic (PMID: 23807571, 25614872). This variant is not present in population databases (gnomAD no frequency). This variant has not been reported in the literature in individuals affected with ATM-related conditions. ClinVar contains an entry for this variant (Variation ID: 3148490). Algorithms developed to predict the effect of sequence changes on RNA splicing suggest that this variant may disrupt the consensus splice site. For these reasons, this variant has been classified as Pathogenic.

Myriad Genetics, Inc.
Classification: Pathogenic for Familial cancer of breast. Last evaluated: 2024-01-12. Review status: criteria provided, single submitter. Criteria: Myriad Autosomal Dominant, Autosomal Recessive and X-Linked Classification Criteria (2023). Collection method: clinical testing. Allele origin: unknown.
Comment: This variant is considered pathogenic. This variant creates a termination codon and is predicted to result in premature protein truncation.

Literature cited by the submitters: PubMed 23807571 (cited by Labcorp Genetics (formerly Invitae), Labcorp); PubMed 25614872 (cited by Labcorp Genetics (formerly Invitae), Labcorp).

NM_000051.4(ATM):c.1204A>T (p.Lys402Ter)

Gene: ATM (ATM serine/threonine kinase; plus strand). Cytogenetic location: 11q22.3.
Variant type: single nucleotide variant.
Coding change: c.1204A>T on transcript NM_000051.4 (MANE Select); coding-DNA position 1204, A replaced by T.
Protein change: p.Lys402Ter; replaces lysine 402 with a stop codon.
Molecular consequence: nonsense.
Genome position (GRCh38, 1-based): chr11:108,249,071, A>T. VCF-style: chr11-108249071-A-T. GRCh37 (hg19) VCF-style: chr11-108119798-A-T.
Other names: c.1204A>T, p.Lys402Ter (NM_001351834.2); short protein forms K402*.
Identifiers: ClinVar variation 3148490 (VCV003148490.3), dbSNP rs2135294835, ClinGen allele CA382532601.